The following is an entry in ClinVar:

NM_000090.4(COL3A1):c.1994C>T (p.Ala665Val)

Gene: COL3A1 (collagen type III alpha 1 chain; plus strand). Cytogenetic location: 2q32.2.
Variant type: single nucleotide variant.
Coding change: c.1994C>T on transcript NM_000090.4 (MANE Select); coding-DNA position 1994, C replaced by T.
Protein change: p.Ala665Val; replaces alanine 665 with valine.
Molecular consequence: missense variant.
Genome position (GRCh38, 1-based): chr2:188,998,690, C>T. VCF-style: chr2-188998690-C-T. GRCh37 (hg19) VCF-style: chr2-189863416-C-T.
Other names: short protein forms A665V.
Identifiers: ClinVar variation 4005344 (VCV004005344.1).

ClinVar aggregate classification (germline): Uncertain significance (1 of 4 stars; one submission).

Conditions:
Familial thoracic aortic aneurysm and aortic dissection (TAAD). Also called: Thoracic aortic aneurysms and dissections. Identifiers: Orphanet 91387, MedGen C4707243, MONDO:0019625.

gnomAD v4.1: 2 of 1,613,848 alleles (0.00012%); highest among the groups gnomAD compares: South Asian, 0.0022%; no homozygotes.

Submission:

Ambry Genetics
Classification: Uncertain significance for Familial thoracic aortic aneurysm and aortic dissection. Last evaluated: 2025-05-02. Review status: criteria provided, single submitter. Criteria: Ambry Variant Classification Scheme 2023. Collection method: clinical testing. Allele origin: germline.
Comment: The p.A665V variant (also known as c.1994C>T), located in coding exon 29 of the COL3A1 gene, results from a C to T substitution at nucleotide position 1994. The alanine at codon 665 is replaced by valine, an amino acid with similar properties. This amino acid position is not well conserved in available vertebrate species. In addition, this alteration is predicted to be tolerated by in silico analysis. Based on the available evidence, the clinical significance of this variant remains unclear.